The following is an entry in ClinVar:

ClinVar aggregate classification (germline): Uncertain significance (1 of 4 stars; one submission).

Allele frequency attached by ClinVar (database versions not stated): gnomAD 0.00001; gnomAD exomes 0.00003; TOPMed 0.00003; ExAC 0.00004.
gnomAD v4.1: 14 of 1,584,266 alleles (0.00088%); highest among the groups gnomAD compares: South Asian, 0.0023%; no homozygotes.

Submission:

Labcorp Genetics (formerly Invitae), Labcorp
Classification: Uncertain significance. Last evaluated: 2025-08-15. Review status: criteria provided, single submitter. Criteria: Invitae Variant Classification Sherloc (09022015). Collection method: clinical testing. Allele origin: germline.
Comment: This sequence change replaces leucine, which is neutral and non-polar, with phenylalanine, which is neutral and non-polar, at codon 3 of the AP3D1 protein (p.Leu3Phe). This variant is present in population databases (rs779292296, gnomAD 0.008%). This variant has not been reported in the literature in individuals affected with AP3D1-related conditions. ClinVar contains an entry for this variant (Variation ID: 1043436). An algorithm developed to predict the effect of missense changes on protein structure and function (PolyPhen-2) suggests that this variant is likely to be disruptive. In summary, the available evidence is currently insufficient to determine the role of this variant in disease. Therefore, it has been classified as a Variant of Uncertain Significance.

NM_001261826.3(AP3D1):c.7C>T (p.Leu3Phe)

Gene: AP3D1 (adaptor related protein complex 3 subunit delta 1; minus strand). Cytogenetic location: 19p13.3.
Variant type: single nucleotide variant.
Coding change: c.7C>T on transcript NM_001261826.3 (MANE Select); coding-DNA position 7, C replaced by T.
Protein change: p.Leu3Phe; replaces leucine 3 with phenylalanine.
Molecular consequence: missense variant.
Genome position (GRCh38, 1-based): chr19:2,151,328, G>A on the plus strand (C>T on the coding strand, the complement: AP3D1 is on the minus strand). VCF-style: chr19-2151328-G-A. GRCh37 (hg19) VCF-style: chr19-2151327-G-A.
Other names: c.7C>T, p.Leu3Phe (NM_001374799.1, NM_003938.8); short protein forms L3F.
Identifiers: ClinVar variation 1043436 (VCV001043436.8), dbSNP rs779292296, ClinGen allele CA9059897.